The following is an entry in ClinVar:

ClinVar aggregate classification (germline): Uncertain significance (1 of 4 stars; one submission).

gnomAD v4.1: 74 of 1,587,108 alleles (0.0047%); highest among the groups gnomAD compares: Non-Finnish European, 0.006%; no homozygotes.

Submission:

Labcorp Genetics (formerly Invitae), Labcorp
Classification: Uncertain significance. Last evaluated: 2025-12-16. Review status: criteria provided, single submitter. Criteria: Invitae Variant Classification Sherloc (09022015). Collection method: clinical testing. Allele origin: germline.
Comment: This sequence change replaces arginine, which is basic and polar, with tryptophan, which is neutral and slightly polar, at codon 836 of the RAI1 protein (p.Arg836Trp). The frequency data for this variant in the population databases is considered unreliable, as metrics indicate poor data quality at this position in the gnomAD database. This variant has not been reported in the literature in individuals affected with RAI1-related conditions. ClinVar contains an entry for this variant (Variation ID: 1919261). Invitae Evidence Modeling of protein sequence and biophysical properties (such as structural, functional, and spatial information, amino acid conservation, physicochemical variation, residue mobility, and thermodynamic stability) indicates that this missense variant is not expected to disrupt RAI1 protein function with a negative predictive value of 80%. In summary, the available evidence is currently insufficient to determine the role of this variant in disease. Therefore, it has been classified as a Variant of Uncertain Significance.

NM_030665.4(RAI1):c.2506C>T (p.Arg836Trp)

Gene: RAI1 (retinoic acid induced 1; plus strand). Cytogenetic location: 17p11.2.
Variant type: single nucleotide variant.
Coding change: c.2506C>T on transcript NM_030665.4 (MANE Select); coding-DNA position 2506, C replaced by T.
Protein change: p.Arg836Trp; replaces arginine 836 with tryptophan.
Molecular consequence: missense variant.
Genome position (GRCh38, 1-based): chr17:17,795,454, C>T. VCF-style: chr17-17795454-C-T. GRCh37 (hg19) VCF-style: chr17-17698768-C-T.
Other names: short protein forms R836W.
Identifiers: ClinVar variation 1919261 (VCV001919261.5), dbSNP rs370508336, ClinGen allele CA288369905.